The following is an entry in ClinVar:

NM_000179.3(MSH6):c.458-4C>G

Gene: MSH6 (mutS homolog 6; plus strand). Cytogenetic location: 2p16.3.
Variant type: single nucleotide variant.
Coding change: c.458-4C>G on transcript NM_000179.3 (MANE Select); 4 bases into the intron before coding-DNA position 458, C replaced by G.
Molecular consequence: intron variant.
Genome position (GRCh38, 1-based): chr2:47,795,890, C>G. VCF-style: chr2-47795890-C-G. GRCh37 (hg19) VCF-style: chr2-48023029-C-G.
Other names: c.-279-2721C>G (NM_001281493.2); c.238-2721C>G (NM_001281492.2); c.-445-4C>G (NM_001281494.2).
Identifiers: ClinVar variation 658846 (VCV000658846.13), dbSNP rs748645037, ClinGen allele CA073008.

ClinVar aggregate classification (germline): Conflicting classifications of pathogenicity. Review status: criteria provided, conflicting classifications (1 of 4 stars). 4 submissions from 4 submitters: Uncertain significance (2); Likely benign (2). Last evaluated 2024-06-09.

Conditions:
Hereditary nonpolyposis colorectal neoplasms. Identifiers: MedGen C0009405, MeSH D003123.
Hereditary cancer-predisposing syndrome. Also called: Hereditary neoplastic syndrome; Neoplastic Syndromes, Hereditary; Hereditary Cancer Syndrome; Tumor predisposition. Identifiers: Orphanet 140162, MedGen C0027672, MeSH D009386, MONDO:0015356.

Allele frequency attached by ClinVar (database versions not stated): gnomAD exomes below 0.00001; ExAC 0.00001.

Submissions (4):

Labcorp Genetics (formerly Invitae), Labcorp
Classification: Likely benign for Hereditary nonpolyposis colorectal neoplasms. Last evaluated: 2024-06-09. Review status: criteria provided, single submitter. Criteria: Invitae Variant Classification Sherloc (09022015). Collection method: clinical testing. Allele origin: germline.

Ambry Genetics
Classification: Likely benign for Hereditary cancer-predisposing syndrome. Last evaluated: 2024-04-18. Review status: criteria provided, single submitter. Criteria: Ambry Variant Classification Scheme 2023. Collection method: clinical testing. Allele origin: germline.

Color Diagnostics, LLC DBA Color Health
Classification: Uncertain significance for Hereditary cancer-predisposing syndrome. Last evaluated: 2021-01-25. Review status: criteria provided, single submitter. Criteria: ACMG Guidelines, 2015. Collection method: clinical testing. Allele origin: germline.
Comment: This variant causes a C to G nucleotide substitution at the -4 position of intron 2 of the MSH6 gene. To our knowledge, functional studies have not been reported for this variant. This variant has not been reported in individuals affected with hereditary cancer in the literature. This variant has been identified in 1/250304 chromosomes in the general population by the Genome Aggregation Database (gnomAD). The available evidence is insufficient to determine the role of this variant in disease conclusively. Therefore, this variant is classified as a Variant of Uncertain Significance.

Quest Diagnostics Nichols Institute San Juan Capistrano
Classification: Uncertain significance. Last evaluated: 2019-09-17. Review status: criteria provided, single submitter. Criteria: Quest Diagnostics criteria. Collection method: clinical testing. Allele origin: unknown.